The following is an entry in ClinVar:

NM_001033855.3(DCLRE1C):c.1259_1266dup (p.Glu423fs)

Gene: DCLRE1C (DNA cross-link repair 1C; minus strand). Cytogenetic location: 10p13.
Variant type: Duplication.
Coding change: c.1259_1266dup on transcript NM_001033855.3 (MANE Select); coding-DNA positions 1259 to 1266, 8 bases duplicated (CAGTATCA; older notation c.1259_1266dupCAGTATCA).
Protein change: p.Glu423fs; shifts the reading frame from glutamic acid 423.
Molecular consequence: frameshift variant. On other transcripts: non-coding transcript variant (4).
Genome position (GRCh38, 1-based): chr10:14,909,221-14,909,228, TGATACTG duplicated on the plus strand (CAGTATCA on the coding strand, the reverse complement: DCLRE1C is on the minus strand). VCF-style (leftmost placement, unchanged base first): chr10-14909220-C-CTGATACTG. GRCh37 (hg19) VCF-style: chr10-14951219-C-CTGATACTG.
Other names: c.899_906dup, p.Glu303fs (NM_001033857.3, NM_001033858.3, NM_001289077.2 and 2 more transcripts); c.914_921dup, p.Glu308fs (NM_001289076.2, NM_001289078.2, NM_001350966.2 and 1 more transcripts); c.1259_1266dup, p.Glu423fs (NM_001350965.2); c.1259_1266dupCAGTATCA (NM_001033855.2); short protein forms E303fs, E308fs, E423fs.
Identifiers: ClinVar variation 1070925 (VCV001070925.10), dbSNP rs755447150, ClinGen allele CA5416511.

ClinVar aggregate classification (germline): Pathogenic/Likely pathogenic. Review status: criteria provided, multiple submitters, no conflicts (2 of 4 stars). 2 submissions from 2 submitters: Pathogenic (1); Likely pathogenic (1). Last evaluated 2025-03-24.

Conditions:
Athabaskan severe combined immunodeficiency (SCIDA). Also called: Severe combined immunodeficiency, athabascan-type. Identifiers: MedGen C1865370.
Severe combined immunodeficiency due to DCLRE1C deficiency (RS-SCID). Also called: SCID, AUTOSOMAL RECESSIVE, T CELL-NEGATIVE, B CELL-NEGATIVE, NK CELL-POSITIVE, WITH SENSITIVITY TO IONIZING RADIATION. Identifiers: Orphanet 275, MedGen C1865371, MONDO:0011225, OMIM 602450.

Allele frequency attached by ClinVar (database versions not stated): gnomAD exomes below 0.00001; ExAC 0.00001.

Submissions (2):

Natera, Inc.
Classification: Likely pathogenic for Athabascan severe combined immunodeficiency. Last evaluated: 2025-03-24. Review status: criteria provided, single submitter. Criteria: Natera Variant Classification Schema (03/2026). Collection method: clinical testing. Allele origin: germline.
Comment: The c.1259_1266dupCAGTATCA variant in DCLRE1C is a frameshift variant predicted to shift the reading frame beginning at codon 423 and leads to a stop codon 10 codons downstream. This variant is expected to result in nonsense mediated decay, truncation, or a dysfunctional protein product. This variant is rare in the general population with a frequency below the threshold expected for the associated phenotype(s). Given the available evidence, this variant is classified as Likely Pathogenic.

Labcorp Genetics (formerly Invitae), Labcorp
Classification: Pathogenic for Athabaskan severe combined immunodeficiency. Last evaluated: 2020-01-28. Review status: criteria provided, single submitter. Criteria: Invitae Variant Classification Sherloc (09022015). Collection method: clinical testing. Allele origin: germline.
Comment: This sequence change results in a premature translational stop signal in the DCLRE1C gene (p.Glu423Glnfs*10). While this is not anticipated to result in nonsense mediated decay, it is expected to disrupt the last 270 amino acids of the DCLRE1C protein. This variant is present in population databases (rs755447150, ExAC 0.01%). This variant has not been reported in the literature in individuals with DCLRE1C-related conditions. This variant disrupts the C-terminus of the DCLRE1C protein. Other variant(s) that disrupt this region (p.Cys436*) have been determined to be pathogenic (PMID: 20674517, 22527898, 29167666). This suggests that variants that disrupt this region of the protein are likely to be causative of disease. For these reasons, this variant has been classified as Pathogenic.

Literature cited by the submitters: PubMed 20674517 (cited by Labcorp Genetics (formerly Invitae), Labcorp); PubMed 22527898 (cited by Labcorp Genetics (formerly Invitae), Labcorp); PubMed 29167666 (cited by Labcorp Genetics (formerly Invitae), Labcorp).